The following is an entry in ClinVar:

NM_139058.3(ARX):c.739G>T (p.Asp247Tyr)

Gene: ARX (aristaless related homeobox; minus strand). Cytogenetic location: Xp21.3.
Variant type: single nucleotide variant.
Coding change: c.739G>T on transcript NM_139058.3 (MANE Select); coding-DNA position 739, G replaced by T.
Protein change: p.Asp247Tyr; replaces aspartic acid 247 with tyrosine.
Molecular consequence: missense variant.
Genome position (GRCh38, 1-based): chrX:25,013,256, C>A on the plus strand (G>T on the coding strand, the complement: ARX is on the minus strand). VCF-style: chrX-25013256-C-A. GRCh37 (hg19) VCF-style: chrX-25031373-C-A.
Other names: short protein forms D247Y.
Identifiers: ClinVar variation 4874865 (VCV004874865.2).
Genomic context (GRCh38, chrX:25,013,256, plus strand): 5'-GACAGCGCCGGGGCTCCTTGAGCAGCGCGCGGGCGTCGTCCTCCAGCAGCTCCTCCTCGT[C>A]GTCCTCCAGCAGTTCCTCTTCCTCGTCCTCATCTTCTTCGTCCTCCAGCAGCTCCTCCTC-3'
Protein context (NP_620689.1, residues 237-257): EDEEEELLED[Asp247Tyr]EEELLEDDAR

ClinVar aggregate classification (germline): Uncertain significance (1 of 4 stars; one submission).

Submission:

CeGaT Center for Human Genetics Tuebingen
Classification: Uncertain significance. Last evaluated: 2026-05-01. Review status: criteria provided, single submitter. Criteria: CeGaT Center For Human Genetics Tuebingen Variant Classification Criteria Version 2. Collection method: clinical testing. Allele origin: germline. Affected: yes. Observed: 1 variant allele.
Comment: ARX: PM2, PP3